The following is an entry in ClinVar:

NM_012210.4(TRIM32):c.1756C>T (p.Arg586Cys)

Genes: ASTN2 (astrotactin 2; minus strand), TRIM32 (tripartite motif containing 32; plus strand). Cytogenetic location: 9q33.1.
Variant type: single nucleotide variant.
Coding change: c.1756C>T on transcript NM_012210.4 (MANE Select); coding-DNA position 1756, C replaced by T.
Protein change: p.Arg586Cys; replaces arginine 586 with cysteine.
Molecular consequence: missense variant. On other transcripts: intron variant (3).
Genome position (GRCh38, 1-based): chr9:116,699,498, C>T. VCF-style: chr9-116699498-C-T. GRCh37 (hg19) VCF-style: chr9-119461777-C-T.
Other names: c.1756C>T, p.Arg586Cys (NM_001099679.2, NM_001379048.1, NM_001379049.1 and 1 more transcripts); c.2653+26273G>A (NM_014010.5); c.2794+26273G>A (NM_001365069.1); c.2806+26273G>A (NM_001365068.1); short protein forms R586C.
Identifiers: ClinVar variation 4992125 (VCV004992125.1).

ClinVar aggregate classification (germline): Uncertain significance (1 of 4 stars; one submission).

Conditions:
TRIM32-related disorder. Also called: TRIM32-related condition.

gnomAD v4.1: 6 of 1,613,634 alleles (0.00037%); highest among the groups gnomAD compares: Admixed American, 0.0017%; no homozygotes.

Submission:

PreventionGenetics, part of Exact Sciences
Classification: Uncertain significance for TRIM32-related condition. Last evaluated: 2026-08-21. Review status: criteria provided, single submitter. Criteria: ACMG Guidelines, 2015. Collection method: clinical testing. Allele origin: germline.
Comment: The TRIM32 c.1756C>T variant is predicted to result in the amino acid substitution p.Arg586Cys. To our knowledge, this variant has not been reported in the literature. This variant is reported in 0.0018% of alleles in individuals of European (Non-Finnish) descent in gnomAD. At this time, the clinical significance of this variant is uncertain due to the absence of conclusive functional and genetic evidence.